The following is an entry in ClinVar:

ClinVar aggregate classification (germline): Pathogenic (1 of 4 stars; one submission).

Conditions:
Congenital adrenal hypoplasia, X-linked (AHC). Also called: Isolated X-Linked Adrenal Hypoplasia Congenita; X-linked AHC; X-Linked Adrenal Hypoplasia Congenita; ADRENAL HYPOPLASIA, CONGENITAL, WITH HYPOGONADOTROPIC HYPOGONADISM. Identifiers: Orphanet 95702, MedGen C0342482, MONDO:0010264, OMIM 300200. Disease mechanism: loss of function.
46,XY sex reversal 2. Also called: NR0B1-Related 46,XY CGD; NR0B1-related 46,XY complete gonadal dysgenesis; Dosage-sensitive sex reversal; 46,XY SEX REVERSAL, DAX1-RELATED; 46XY sex reversal 2, dosage-sensitive. Identifiers: MedGen C1848296, MONDO:0010226, OMIM 300018.

Submission:

Labcorp Genetics (formerly Invitae), Labcorp
Classification: Pathogenic for Congenital adrenal hypoplasia, X-linked; 46,XY sex reversal 2. Last evaluated: 2022-11-16. Review status: criteria provided, single submitter. Criteria: Invitae Variant Classification Sherloc (09022015). Collection method: clinical testing. Allele origin: germline.
Comment: For these reasons, this variant has been classified as Pathogenic. This premature translational stop signal has been observed in individual(s) with congenital adrenal hypoplasia (PMID: 20573681). This variant is not present in population databases (gnomAD no frequency). This sequence change creates a premature translational stop signal (p.Gln222*) in the NR0B1 gene. It is expected to result in an absent or disrupted protein product. Loss-of-function variants in NR0B1 are known to be pathogenic (PMID: 7990958, 15841486).

Literature cited by the submitters: PubMed 20573681; PubMed 7990958; PubMed 15841486.

NM_000475.5(NR0B1):c.664C>T (p.Gln222Ter)

Gene: NR0B1 (nuclear receptor subfamily 0 group B member 1; minus strand). Cytogenetic location: Xp21.2.
Variant type: single nucleotide variant.
Coding change: c.664C>T on transcript NM_000475.5 (MANE Select); coding-DNA position 664, C replaced by T.
Protein change: p.Gln222Ter; replaces glutamine 222 with a stop codon.
Molecular consequence: nonsense.
Genome position (GRCh38, 1-based): chrX:30,308,700, G>A on the plus strand (C>T on the coding strand, the complement: NR0B1 is on the minus strand). VCF-style: chrX-30308700-G-A. GRCh37 (hg19) VCF-style: chrX-30326817-G-A.
Other names: short protein forms Q222*.
Identifiers: ClinVar variation 2925663 (VCV002925663.3), dbSNP rs2519051360, ClinGen allele CA412548143.